The following is an entry in ClinVar:

ClinVar aggregate classification (germline): Uncertain significance (1 of 4 stars; one submission).

Submission:

Labcorp Genetics (formerly Invitae), Labcorp
Classification: Uncertain significance. Last evaluated: 2021-06-07. Review status: criteria provided, single submitter. Criteria: Invitae Variant Classification Sherloc (09022015). Collection method: clinical testing. Allele origin: germline.
Comment: Algorithms developed to predict the effect of missense changes on protein structure and function (SIFT, PolyPhen-2, Align-GVGD) all suggest that this variant is likely to be tolerated, but these predictions have not been confirmed by published functional studies and their clinical significance is uncertain. In summary, the available evidence is currently insufficient to determine the role of this variant in disease. Therefore, it has been classified as a Variant of Uncertain Significance. This variant has not been reported in the literature in individuals with SMARCB1-related conditions. This variant is not present in population databases (ExAC no frequency). This sequence change replaces threonine with proline at codon 82 of the SMARCB1 protein (p.Thr82Pro). The threonine residue is moderately conserved and there is a small physicochemical difference between threonine and proline.

NM_003073.5(SMARCB1):c.244A>C (p.Thr82Pro)

Gene: SMARCB1 (SWI/SNF related BAF chromatin remodeling complex subunit B1; plus strand). Cytogenetic location: 22q11.23.
Variant type: single nucleotide variant.
Coding change: c.244A>C on transcript NM_003073.5 (MANE Select); coding-DNA position 244, A replaced by C.
Protein change: p.Thr82Pro; replaces threonine 82 with proline.
Molecular consequence: missense variant.
Genome position (GRCh38, 1-based): chr22:23,793,570, A>C. VCF-style: chr22-23793570-A-C. GRCh37 (hg19) VCF-style: chr22-24135757-A-C.
Other names: c.217A>C, p.Thr73Pro (NM_001007468.3, NM_001317946.2); c.244A>C, p.Thr82Pro (NM_001362877.2); short protein forms T73P, T82P.
Identifiers: ClinVar variation 1475407 (VCV001475407.8), dbSNP rs1053189632, ClinGen allele CA410933625.